The following is an entry in ClinVar:

NM_000138.5(FBN1):c.6724C>T (p.Arg2242Cys)

Gene: FBN1 (fibrillin 1; minus strand). Cytogenetic location: 15q21.1.
Variant type: single nucleotide variant.
Coding change: c.6724C>T on transcript NM_000138.5 (MANE Select); coding-DNA position 6724, C replaced by T.
Protein change: p.Arg2242Cys; replaces arginine 2242 with cysteine.
Molecular consequence: missense variant.
Genome position (GRCh38, 1-based): chr15:48,432,881, G>A on the plus strand (C>T on the coding strand, the complement: FBN1 is on the minus strand). VCF-style: chr15-48432881-G-A. GRCh37 (hg19) VCF-style: chr15-48725078-G-A.
Other names: NM_000138.5(FBN1):c.6724C>T; p.Arg2242Cys; short protein forms R2242C.
Identifiers: ClinVar variation 384344 (VCV000384344.48), dbSNP rs779749926, ClinGen allele CA057276.

ClinVar aggregate classification (germline): Uncertain significance. Review status: reviewed by expert panel (3 of 4 stars). 9 submissions from 9 submitters: Uncertain significance (1). 8 of the submissions do not count toward it. Last evaluated 2024-08-22.

Conditions:
Familial thoracic aortic aneurysm and aortic dissection (TAAD). Also called: Thoracic aortic aneurysms and dissections. Identifiers: Orphanet 91387, MedGen C4707243, MONDO:0019625.
Marfan syndrome (MFS). Also called: Marfan syndrome, classic; FBN1-Related Marfan Syndrome; Marfan syndrome type 1; Marfan's syndrome; MARFAN SYNDROME, TYPE I. Identifiers: Orphanet 284963, Orphanet 558, MedGen C0024796, MONDO:0007947, OMIM 154700.

Allele frequency attached by ClinVar (database versions not stated): gnomAD 0.00001; gnomAD exomes 0.00001 and 0.00003; ExAC 0.00002; TOPMed 0.00002.
gnomAD v4.1: 46 of 1,613,448 alleles (0.0029%); highest among the groups gnomAD compares: African/African-American, 0.004%; no homozygotes.

Submissions (9):

ClinGen FBN1 Variant Curation Expert Panel, ClinGen
Classification: Uncertain significance for Marfan syndrome. Last evaluated: 2024-08-22. Review status: reviewed by expert panel. Criteria: Assertion Criteria VCEP FBN1 Version 1. Collection method: curation. Allele origin: germline. Inheritance: Autosomal dominant inheritance.
Comment: The NM_00138 c.6724C>T is a missense variant in FBN1 predicted to cause a substitution of arginine by cysteine at amino acid 2242 (p.Arg2242Cys). This variant was found five times in the literature (PMID 34428338, PMID 32989268, PMID 25944730) in the context of Marfan syndrome (MFS). In four of the five cases, no phenotype was described. In the other case, the proband met the revised Ghent criteria (PMID 25944730, PP4). This variant has been reported once in ClinVar as Likely pathogenic, 4 times as uncertain significance and once as Likely benign (Variation ID: 384344). This variant is present in 40/1,111,616 (0.003%) alleles from the European non–Finnish population in gnomAD (v4.0.0). Furthermore, this variant was found in 13/35,712 (0.036%) sequenced alleles in a general Icelandic population (PMID 37684520) but no phenotypic data of these cases was reported. This variant creates a Cys in a cb-EGF domain, which might affect the Cys disulfide bond formation (PM1). The constraint z-score for missense variants affecting FBN1 is 8.18 (PP2, gnomAD v4.0.0). Due to the conflicting evidence, this variant is classified as uncertain significance for Marfan syndrome based on the ACMG/AMP criteria applied, as specified by the ClinGen FBN1 VCEP: PM1, PP4, PP2.

CeGaT Center for Human Genetics Tuebingen
Classification: Likely benign. Last evaluated: 2026-08-01. Review status: criteria provided, single submitter. Criteria: CeGaT Center For Human Genetics Tuebingen Variant Classification Criteria Version 2. Collection method: clinical testing. Allele origin: germline. Affected: yes. Observed: 1 variant allele. Not counted in ClinVar's aggregate classification.
Comment: FBN1: BS2

Labcorp Genetics (formerly Invitae), Labcorp
Classification: Uncertain significance for Marfan syndrome; Familial thoracic aortic aneurysm and aortic dissection. Last evaluated: 2025-05-19. Review status: criteria provided, single submitter. Criteria: Invitae Variant Classification Sherloc (09022015). Collection method: clinical testing. Allele origin: germline. Not counted in ClinVar's aggregate classification.
Comment: This sequence change replaces arginine, which is basic and polar, with cysteine, which is neutral and slightly polar, at codon 2242 of the FBN1 protein (p.Arg2242Cys). This variant is present in population databases (rs779749926, gnomAD 0.003%). This missense change has been observed in individual(s) with clinical features of FBN1-related conditions and/or Marfan syndrome (PMID: 25944730, 37937776, 38374194). ClinVar contains an entry for this variant (Variation ID: 384344). Invitae Evidence Modeling of protein sequence and biophysical properties (such as structural, functional, and spatial information, amino acid conservation, physicochemical variation, residue mobility, and thermodynamic stability) indicates that this missense variant is expected to disrupt FBN1 protein function with a positive predictive value of 80%. In summary, the available evidence is currently insufficient to determine the role of this variant in disease. Therefore, it has been classified as a Variant of Uncertain Significance.

All of Us Research Program, National Institutes of Health
Classification: Uncertain significance for Marfan syndrome. Last evaluated: 2024-08-13. Review status: criteria provided, single submitter. Criteria: ACMG Guidelines, 2015. Collection method: clinical testing. Allele origin: germline. Inheritance: Autosomal dominant inheritance. Observed: 4 variant alleles, 4 heterozygotes. Not counted in ClinVar's aggregate classification.
Comment: This missense variant replaces arginine with cysteine at codon 2242 in an EGF-like calcium-binding domain of the FBN1 protein. Computational prediction suggests that this variant may have deleterious impact on protein structure and function (internally defined REVEL score threshold >= 0.7, PMID: 27666373). Cysteine creating variants in cbEGF-like domains have been shown to affect protein stability and are overrepresented among patients with Marfan syndrome (PMID: 15161917, 16571647, 17701892). To our knowledge, functional studies have not been reported for this variant. This variant has been reported in an individual affected with Marfan syndrome (PMID: 25944730), in over ten individuals who were not affected Marfan syndrome (doi: 10.21203/rs.3.rs-2085746/v1, ClinVar SCV002577457.1), and in a few individuals enrolled in population-based studies who were unknown to have Marfan syndrome or related features (PMID: 32989268, 34428338). This variant has been identified in 3/250968 chromosomes in the general population by the Genome Aggregation Database (gnomAD). The available evidence is insufficient to determine the role of this variant in disease conclusively. Therefore, this variant is classified as a Variant of Uncertain Significance.

This study involves interpretation of variants in research participants for the purpose of population health screening. Participant phenotype was not available at the time of variant classification. Additional details can be found in publication PMID: 35346344, PMCID: PMC8962531

Color Diagnostics, LLC DBA Color Health
Classification: Uncertain significance for Familial thoracic aortic aneurysm and aortic dissection. Last evaluated: 2024-07-31. Review status: criteria provided, single submitter. Criteria: ACMG Guidelines, 2015. Collection method: clinical testing. Allele origin: germline. Not counted in ClinVar's aggregate classification.
Comment: This missense variant replaces arginine with cysteine at codon 2242 in an EGF-like calcium-binding domain of the FBN1 protein. Computational prediction tools indicate that this variant has a deleterious impact on protein structure and function. Cysteine creating variants in cbEGF-like domains have been shown to affect protein stability and are overrepresented among patients with Marfan syndrome (PMID: 15161917, 16571647, 17701892). To our knowledge, functional studies have not been reported for this variant. This variant has been reported in an individual affected with Marfan syndrome (PMID: 25944730), in over ten individuals who were not affected Marfan syndrome (doi: 10.21203/rs.3.rs-2085746/v1, ClinVar SCV002577457.1), and in a few individuals enrolled in population-based studies who were unknown to have Marfan syndrome or related features (PMID: 32989268, 34428338, 38740897). This variant has been identified in 3/250968 chromosomes in the general population by the Genome Aggregation Database (gnomAD). The available evidence is insufficient to determine the role of this variant in disease conclusively. Therefore, this variant is classified as a Variant of Uncertain Significance.

GeneDx
Classification: Likely pathogenic. Last evaluated: 2024-05-23. Review status: criteria provided, single submitter. Criteria: GeneDx Variant Classification Process June 2021. Collection method: clinical testing. Allele origin: germline. Affected: yes. Not counted in ClinVar's aggregate classification.
Comment: Introduces a new cysteine residue within a calcium-binding EGF-like domain of the FBN1 gene, which may affect disulfide bonding and is predicted to alter the structure and function of the protein; cysteine substitutions in the calcium-binding EGF-like domains represent the majority of pathogenic missense changes associated with FBN1-related disorders (PMID: 12938084); In silico analysis supports that this missense variant has a deleterious effect on protein structure/function; Not observed at significant frequency in large population cohorts (gnomAD); This variant is associated with the following publications: (PMID: 27527004, 31589614, 12938084, 35346344, 37684520, 25944730, 32989268, 34428338, 35753512, 37937776)

Ambry Genetics
Classification: Uncertain significance for Familial thoracic aortic aneurysm and aortic dissection. Last evaluated: 2022-12-08. Review status: criteria provided, single submitter. Criteria: Ambry Variant Classification Scheme 2023. Collection method: clinical testing. Allele origin: germline. Not counted in ClinVar's aggregate classification.
Comment: The c.6724C>T (p.R2242C) alteration is located in exon 55 (coding exon 54) of the FBN1 gene. This alteration results from a C to T substitution at nucleotide position 6724, causing the arginine (R) at amino acid position 2242 to be replaced by a cysteine (C). This alteration has been reported in an individual with Marfan syndrome (Wooderchak-Donahue, 2015). This amino acid position is well conserved in available vertebrate species. The p.R2242C amino acid is located in the cbEGF34 domain. The majority of FBN1 mutations identified to date have involved the substitution or generation of cystine residues within cbEGF domains (Vollbrandt, 2004). This alteration is predicted to be tolerated by in silico analysis. Based on insufficient or conflicting evidence, the clinical significance of this alteration remains unclear.

AiLife Diagnostics
Classification: Uncertain significance. Last evaluated: 2022-01-28. Review status: criteria provided, single submitter. Criteria: ACMG Guidelines, 2015. Collection method: clinical testing. Allele origin: germline. Affected: yes. Observed: 1 variant allele. Not counted in ClinVar's aggregate classification.

Laboratory of Medical Genetics, National & Kapodistrian University of Athens
Classification: Likely benign for Marfan syndrome. Last evaluated: 2021-12-21. Review status: criteria provided, single submitter. Criteria: ACMG Guidelines, 2015. Collection method: clinical testing. Allele origin: maternal. Affected: yes. Not counted in ClinVar's aggregate classification.
Comment: BS2, PM2, PP3

Literature cited by the submitters: PubMed 25944730 (cited by 5 submitters); PubMed 37937776 (cited by Labcorp Genetics (formerly Invitae), Labcorp); PubMed 38374194 (cited by Labcorp Genetics (formerly Invitae), Labcorp); PubMed 15161917 (cited by 3 submitters); PubMed 16571647 (cited by All of Us Research Program, National Institutes of Health and Color Diagnostics, LLC DBA Color Health); PubMed 17701892 (cited by All of Us Research Program, National Institutes of Health and Color Diagnostics, LLC DBA Color Health); PubMed 32989268 (cited by All of Us Research Program, National Institutes of Health and Color Diagnostics, LLC DBA Color Health); PubMed 34428338 (cited by All of Us Research Program, National Institutes of Health and Color Diagnostics, LLC DBA Color Health); PubMed 38740897 (cited by Color Diagnostics, LLC DBA Color Health); PubMed 31589614 (cited by AiLife Diagnostics).